The following is an entry in ClinVar:

NM_021614.4(KCNN2):c.842C>G (p.Ser281Cys)

Gene: KCNN2 (potassium calcium-activated channel subfamily N member 2; plus strand). Cytogenetic location: 5q22.3.
Variant type: single nucleotide variant.
Coding change: c.842C>G on transcript NM_021614.4 (MANE Select); coding-DNA position 842, C replaced by G.
Protein change: p.Ser281Cys; replaces serine 281 with cysteine.
Molecular consequence: missense variant. On other transcripts: non-coding transcript variant (1).
Genome position (GRCh38, 1-based): chr5:114,362,981, C>G. VCF-style: chr5-114362981-C-G. GRCh37 (hg19) VCF-style: chr5-113698678-C-G.
Other names: c.1040C>G, p.Ser347Cys (NM_001372233.1); short protein forms S347C, S281C.
Identifiers: ClinVar variation 2692568 (VCV002692568.8), dbSNP rs967646810, ClinGen allele CA125659963.
Genomic context (GRCh38, chr5:114,362,981, plus strand): 5'-CGTCTGCAGCCGCTGCCGCCGCCGCCGCTGTTTCGTCCTCAGCCCCCGAGATCGTGGTGT[C>G]TAAGCCCGAGCACAACAACTCCAACAACCTGGCGCTCTATGGAACCGGCGGCGGAGGCAG-3'
Protein context (NP_067627.3, residues 271-291): VSSSAPEIVV[Ser281Cys]KPEHNNSNNL

ClinVar aggregate classification (germline): Uncertain significance. Review status: criteria provided, multiple submitters, no conflicts (2 of 4 stars). 2 submissions from 2 submitters: Uncertain significance (2). Last evaluated 2025-09-01.

gnomAD v4.1: 1 of 1,590,846 alleles (0.000063%); highest among the groups gnomAD compares: Non-Finnish European, 0.000085%; no homozygotes.

Submissions (2):

CeGaT Center for Human Genetics Tuebingen
Classification: Uncertain significance. Last evaluated: 2025-09-01. Review status: criteria provided, single submitter. Criteria: CeGaT Center For Human Genetics Tuebingen Variant Classification Criteria Version 2. Collection method: clinical testing. Allele origin: germline. Affected: yes. Observed: 1 variant allele.
Comment: KCNN2: PM2, PP3

Greenwood Genetic Center Diagnostic Laboratories, Greenwood Genetic Center
Classification: Uncertain significance. Last evaluated: 2023-10-25. Review status: criteria provided, single submitter. Criteria: ACMG Guidelines, 2015. Collection method: clinical testing. Allele origin: germline. Affected: yes.
Comment: PM2